The following is an entry in ClinVar:

NM_000038.6(APC):c.5846A>C (p.Glu1949Ala)

Gene: APC (APC regulator of Wnt signaling pathway; plus strand). Cytogenetic location: 5q22.2.
Variant type: single nucleotide variant.
Coding change: c.5846A>C on transcript NM_000038.6 (MANE Select); coding-DNA position 5846, A replaced by C.
Protein change: p.Glu1949Ala; replaces glutamic acid 1949 with alanine.
Molecular consequence: missense variant.
Genome position (GRCh38, 1-based): chr5:112,841,440, A>C. VCF-style: chr5-112841440-A-C. GRCh37 (hg19) VCF-style: chr5-112177137-A-C.
Other names: c.5846A>C, p.Glu1949Ala (NM_001127510.3, NM_001354895.2); c.5792A>C, p.Glu1931Ala (NM_001127511.3); c.5900A>C, p.Glu1967Ala (NM_001354896.2); c.5876A>C, p.Glu1959Ala (NM_001354897.2); c.5771A>C, p.Glu1924Ala (NM_001354898.2); c.5762A>C, p.Glu1921Ala (NM_001354899.2); c.5723A>C, p.Glu1908Ala (NM_001354900.2); c.5669A>C, p.Glu1890Ala (NM_001354901.2); and 5 more; short protein forms E1666A, E1823A, E1924A, E1931A, E1959A, E1848A, E1858A, E1890A.
Identifiers: ClinVar variation 925730 (VCV000925730.10), dbSNP rs1766064699, ClinGen allele CA16034117.
Genomic context (GRCh38, chr5:112,841,440, plus strand): 5'-AACAATCCACTTTTCCCCAGTCATCCAAAGACATACCAGACAGAGGGGCAGCAACTGATG[A>C]AAAGTTACAGAATTTTGCTATTGAAAATACTCCGGTTTGCTTTTCTCATAATTCCTCTCT-3'
Protein context (NP_000029.2, residues 1939-1959): DIPDRGAATD[Glu1949Ala]KLQNFAIENT

ClinVar aggregate classification (germline): Uncertain significance. Review status: criteria provided, multiple submitters, no conflicts (2 of 4 stars). 2 submissions from 2 submitters: Uncertain significance (2). Last evaluated 2024-11-21.

Conditions:
Hereditary cancer-predisposing syndrome. Also called: Neoplastic Syndromes, Hereditary; Tumor predisposition; Hereditary Cancer Syndrome; Hereditary neoplastic syndrome. Identifiers: Orphanet 140162, MedGen C0027672, MeSH D009386, MONDO:0015356.
Familial adenomatous polyposis 1 (FAP1). Also called: FAMILIAL ADENOMATOUS POLYPOSIS 1, ATTENUATED; POLYPOSIS, ADENOMATOUS INTESTINAL. Identifiers: MedGen C2713442, MONDO:0021056, OMIM 175100. Disease mechanism: loss of function.

Submissions (2):

Labcorp Genetics (formerly Invitae), Labcorp
Classification: Uncertain significance for Familial adenomatous polyposis 1. Last evaluated: 2024-11-21. Review status: criteria provided, single submitter. Criteria: Invitae Variant Classification Sherloc (09022015). Collection method: clinical testing. Allele origin: germline.
Comment: This sequence change replaces glutamic acid, which is acidic and polar, with alanine, which is neutral and non-polar, at codon 1949 of the APC protein (p.Glu1949Ala). This variant is not present in population databases (gnomAD no frequency). This variant has not been reported in the literature in individuals affected with APC-related conditions. ClinVar contains an entry for this variant (Variation ID: 925730). Invitae Evidence Modeling of protein sequence and biophysical properties (such as structural, functional, and spatial information, amino acid conservation, physicochemical variation, residue mobility, and thermodynamic stability) indicates that this missense variant is not expected to disrupt APC protein function with a negative predictive value of 95%. In summary, the available evidence is currently insufficient to determine the role of this variant in disease. Therefore, it has been classified as a Variant of Uncertain Significance.

Color Diagnostics, LLC DBA Color Health
Classification: Uncertain significance for Hereditary cancer-predisposing syndrome. Last evaluated: 2024-03-06. Review status: criteria provided, single submitter. Criteria: ACMG Guidelines, 2015. Collection method: clinical testing. Allele origin: germline.
Comment: This missense variant replaces glutamic acid with alanine at codon 1949 of the APC protein. Computational prediction tool is inconclusive regarding the impact of this variant on protein structure and function (internally defined REVEL score threshold 0.5 < inconclusive < 0.7, PMID: 27666373). Splice site prediction tools suggest that this variant may not impact RNA splicing. To our knowledge, functional studies have not been performed for this variant. This variant has not been reported in individuals affected with hereditary cancer in the literature. This variant has not been identified in the general population by the Genome Aggregation Database (gnomAD). The available evidence is insufficient to determine the role of this variant in disease conclusively. Therefore, this variant is classified as a Variant of Uncertain Significance.